The following is an entry in ClinVar:

ClinVar aggregate classification (germline): Pathogenic (1 of 4 stars; one submission).

Conditions:
Peroxisome biogenesis disorder 12A (Zellweger). Also called: Peroxisome biogenesis disorder 12A. Identifiers: Orphanet 912, MedGen C3554002, MONDO:0013951, OMIM 614886.

gnomAD v4.1: 1 of 1,614,210 alleles (0.000062%); highest among the groups gnomAD compares: Non-Finnish European, 0.000085%; no homozygotes.

Submission:

Labcorp Genetics (formerly Invitae), Labcorp
Classification: Pathogenic for Peroxisome biogenesis disorder 12A (Zellweger). Last evaluated: 2025-03-19. Review status: criteria provided, single submitter. Criteria: Invitae Variant Classification Sherloc (09022015). Collection method: clinical testing. Allele origin: germline.
Comment: This sequence change creates a premature translational stop signal (p.Ser109*) in the PEX19 gene. It is expected to result in an absent or disrupted protein product. Loss-of-function variants in PEX19 are known to be pathogenic (PMID: 10051604, 20683989, 21031596). This variant is not present in population databases (gnomAD no frequency). This variant has not been reported in the literature in individuals affected with PEX19-related conditions. Algorithms developed to predict the effect of sequence changes on RNA splicing suggest that this variant may disrupt the consensus splice site. For these reasons, this variant has been classified as Pathogenic.

Literature cited by the submitters: PubMed 10051604; PubMed 20683989; PubMed 21031596.

NM_002857.4(PEX19):c.326C>G (p.Ser109Ter)

Gene: PEX19 (peroxisomal biogenesis factor 19; minus strand). Cytogenetic location: 1q23.2.
Variant type: single nucleotide variant.
Coding change: c.326C>G on transcript NM_002857.4 (MANE Select); coding-DNA position 326, C replaced by G.
Protein change: p.Ser109Ter; replaces serine 109 with a stop codon.
Molecular consequence: nonsense. On other transcripts: non-coding transcript variant (2).
Genome position (GRCh38, 1-based): chr1:160,282,964, G>C on the plus strand (C>G on the coding strand, the complement: PEX19 is on the minus strand). VCF-style: chr1-160282964-G-C. GRCh37 (hg19) VCF-style: chr1-160252754-G-C.
Other names: c.326C>G, p.Ser109Ter (NM_001193644.1); short protein forms S109*.
Identifiers: ClinVar variation 4715460 (VCV004715460.1).
Genomic context (GRCh38, chr1:160,282,964, plus strand): 5'-AGTCTGTTCAGATATTTCCATGTATCTGGGGTCTCCTCACCCACTCTCCCTGCAGCCTCT[G>C]AGAGCTTTTGGAACTGCTCCACCAGGTGGGGTTCTTCCTCAGCCAACTCCTTCATTGCCT-3'